The following is an entry in ClinVar:

NM_014714.4(IFT140):c.1978C>A (p.Leu660Met)

Gene: IFT140 (intraflagellar transport 140; minus strand). Cytogenetic location: 16p13.3.
Variant type: single nucleotide variant.
Coding change: c.1978C>A on transcript NM_014714.4 (MANE Select); coding-DNA position 1978, C replaced by A.
Protein change: p.Leu660Met; replaces leucine 660 with methionine.
Molecular consequence: missense variant.
Genome position (GRCh38, 1-based): chr16:1,564,086, G>T on the plus strand (C>A on the coding strand, the complement: IFT140 is on the minus strand). VCF-style: chr16-1564086-G-T. GRCh37 (hg19) VCF-style: chr16-1614087-G-T.
Other names: short protein forms L660M.
Identifiers: ClinVar variation 1412593 (VCV001412593.8), dbSNP rs2033579292, ClinGen allele CA394204943.

ClinVar aggregate classification (germline): Uncertain significance (1 of 4 stars; one submission).

Conditions:
Saldino-Mainzer syndrome (SRTD9). Also called: CONORENAL SYNDROME; Renal dysplasia, retinal pigmentary dystrophy, cerebellar ataxia and skeletal dysplasia; SHORT-RIB THORACIC DYSPLASIA 9 WITHOUT POLYDACTYLY; short-rib thoracic dysplasia 9 with or without polydactyly. Identifiers: Orphanet 140969, MedGen C1849437, MONDO:0009964, OMIM 266920.

Allele frequency attached by ClinVar (database versions not stated): TOPMed below 0.00001.

Submission:

Labcorp Genetics (formerly Invitae), Labcorp
Classification: Uncertain significance for Saldino-Mainzer syndrome. Last evaluated: 2022-02-09. Review status: criteria provided, single submitter. Criteria: Invitae Variant Classification Sherloc (09022015). Collection method: clinical testing. Allele origin: germline.
Comment: Algorithms developed to predict the effect of missense changes on protein structure and function are either unavailable or do not agree on the potential impact of this missense change (SIFT: "Deleterious"; PolyPhen-2: "Probably Damaging"; Align-GVGD: "Class C0"). This variant is not present in population databases (gnomAD no frequency). This variant has not been reported in the literature in individuals affected with IFT140-related conditions. In summary, the available evidence is currently insufficient to determine the role of this variant in disease. Therefore, it has been classified as a Variant of Uncertain Significance. This sequence change replaces leucine, which is neutral and non-polar, with methionine, which is neutral and non-polar, at codon 660 of the IFT140 protein (p.Leu660Met).